The following is an entry in ClinVar:

ClinVar aggregate classification (germline): Benign. Review status: criteria provided, multiple submitters, no conflicts (2 of 4 stars). 2 submissions from 2 submitters: Benign (2). Last evaluated 2025-02-16.

Conditions:
Leigh syndrome (NULS). Also called: Leigh's necrotizing encephalopathy; Leigh's disease; Leigh Syndrome (mtDNA deletion); Leigh Disease; Subacute necrotizing encephalopathy; Necrotizing encephalopathy infantile subacute of Leigh. Identifiers: Orphanet 506, MedGen C2931891, MONDO:0009723, OMIM 256000.

Submissions (2):

Laboratory of Genetics, Children's Clinical University Hospital Latvia
Classification: Benign. Last evaluated: 2025-02-16. Review status: criteria provided, single submitter. Criteria: ACMG Guidelines, 2015. Collection method: clinical testing. Allele origin: germline. Affected: yes.

Wong Mito Lab, Molecular and Human Genetics, Baylor College of Medicine
Classification: Benign for Leigh syndrome. Last evaluated: 2019-10-17. Review status: criteria provided, single submitter. Criteria: Modified ACMG Guidelines (Unpublished). Collection method: clinical testing. Allele origin: germline.
Comment: The NC_012920.1:m.12557C>T (YP_003024036.1:p.Thr74Ile) variant in MTND5 gene is interpretated to be a Benign variant based on the modified ACMG guidelines (unpublished). This variant meets the following evidence codes: BS1, BS2, BP4

NC_012920.1(MT-ND5):m.12557C>T

Gene: MT-ND5 (mitochondrially encoded NADH dehydrogenase 5; plus strand).
Variant type: single nucleotide variant.
Genome position: chrM-12557-C-T.
Identifiers: ClinVar variation 693463 (VCV000693463.2), dbSNP rs1556424125, ClinGen allele CA414813748.